The following is an entry in ClinVar:

NM_033124.5(DRC2):c.1021G>T (p.Asp341Tyr)

Gene: DRC2 (dynein regulatory complex subunit 2; plus strand). Cytogenetic location: 12q13.12.
Variant type: single nucleotide variant.
Coding change: c.1021G>T on transcript NM_033124.5 (MANE Select); coding-DNA position 1021, G replaced by T.
Protein change: p.Asp341Tyr; replaces aspartic acid 341 with tyrosine.
Molecular consequence: missense variant.
Genome position (GRCh38, 1-based): chr12:48,918,898, G>T. VCF-style: chr12-48918898-G-T. GRCh37 (hg19) VCF-style: chr12-49312681-G-T.
Other names: c.592G>T, p.Asp198Tyr (NM_001286957.2); short protein forms D341Y, D198Y.
Identifiers: ClinVar variation 416603 (VCV000416603.44), dbSNP rs117646559, ClinGen allele CA6543403.

ClinVar aggregate classification (germline): Benign/Likely benign. Review status: criteria provided, multiple submitters, no conflicts (2 of 4 stars). 6 submissions from 6 submitters: Benign (3); Likely benign (3). Last evaluated 2026-08-01.

Conditions:
Primary ciliary dyskinesia 27. Also called: CILIARY DYSKINESIA, PRIMARY, 27, WITHOUT SITUS INVERSUS. Identifiers: Orphanet 244, MedGen C3809701, MONDO:0014215, OMIM 615504.

Allele frequency attached by ClinVar (database versions not stated): 1000 Genomes Project 30x 0.00344; 1000 Genomes Project 0.00359; ExAC 0.00743; gnomAD exomes 0.00752 and 0.01176; gnomAD 0.00755 and 0.00829; TOPMed 0.00798; ESP Exome Variant Server 0.01061.
gnomAD v4.1: 18,257 of 1,610,524 alleles (1.1%); highest among the groups gnomAD compares: Non-Finnish European, 1.4%; 124 homozygotes.

Submissions (6):

CeGaT Center for Human Genetics Tuebingen
Classification: Benign. Last evaluated: 2026-08-01. Review status: criteria provided, single submitter. Criteria: CeGaT Center For Human Genetics Tuebingen Variant Classification Criteria Version 2. Collection method: clinical testing. Allele origin: germline. Affected: yes. Observed: 9 variant alleles.
Comment: DRC2: BP4, BS1, BS2

Labcorp Genetics (formerly Invitae), Labcorp
Classification: Benign for Primary ciliary dyskinesia 27. Last evaluated: 2026-02-02. Review status: criteria provided, single submitter. Criteria: Invitae Variant Classification Sherloc (09022015). Collection method: clinical testing. Allele origin: germline.

GeneDx
Classification: Likely benign. Last evaluated: 2024-11-04. Review status: criteria provided, single submitter. Criteria: GeneDx Variant Classification Process June 2021. Collection method: clinical testing. Allele origin: germline. Affected: yes.
Comment: See Variant Classification Assertion Criteria.

ARUP Laboratories, Molecular Genetics and Genomics, ARUP Laboratories
Classification: Benign for Primary ciliary dyskinesia 27. Last evaluated: 2024-04-08. Review status: criteria provided, single submitter. Criteria: ARUP Molecular Germline Variant Investigation Process 2024. Collection method: clinical testing. Allele origin: germline.

Fulgent Genetics
Classification: Likely benign for Primary ciliary dyskinesia 27. Last evaluated: 2022-03-03. Review status: criteria provided, single submitter. Criteria: ACMG Guidelines, 2015. Collection method: clinical testing. Allele origin: unknown.

Breakthrough Genomics
Classification: Likely benign. Review status: criteria provided, single submitter. Criteria: ACMG Guidelines, 2015. Collection method: not provided. Allele origin: germline. Inheritance: Autosomal recessive inheritance. Affected: yes.